The following is an entry in ClinVar:

NM_001035.3(RYR2):c.8864C>T (p.Pro2955Leu)

Gene: RYR2 (ryanodine receptor 2; plus strand). Cytogenetic location: 1q43.
Variant type: single nucleotide variant.
Coding change: c.8864C>T on transcript NM_001035.3 (MANE Select); coding-DNA position 8864, C replaced by T.
Protein change: p.Pro2955Leu; replaces proline 2955 with leucine.
Molecular consequence: missense variant.
Genome position (GRCh38, 1-based): chr1:237,678,081, C>T. VCF-style: chr1-237678081-C-T. GRCh37 (hg19) VCF-style: chr1-237841381-C-T.
Other names: short protein forms P2955L.
Identifiers: ClinVar variation 3074816 (VCV003074816.1), dbSNP rs1685555534, ClinGen allele CA345403644.
Genomic context (GRCh38, chr1:237,678,081, plus strand): 5'-TTACCTAAAAACTCTTCAAATCTACAGATGGTGGCAGCAGAGGCAAAGGAGAACATTTCC[C>T]TTATGAACAAGAAATCAAGTTCTTTGCAAAAGTACAGTATACAATCTATCTTGTTTTTGC-3'
Protein context (NP_001026.2, residues 2945-2965): GGSRGKGEHF[Pro2955Leu]YEQEIKFFAK

ClinVar aggregate classification (germline): Uncertain significance (1 of 4 stars; one submission).

Conditions:
Catecholaminergic polymorphic ventricular tachycardia (CVPT). Also called: Catecholamine-induced polymorphic ventricular tachycardia. Identifiers: Orphanet 3286, MedGen C5574922, MONDO:0017990.

gnomAD v4.1: 2 of 1,605,436 alleles (0.00012%); highest among the groups gnomAD compares: East Asian, 0.0045%; no homozygotes.

Submission:

All of Us Research Program, National Institutes of Health
Classification: Uncertain significance for Catecholaminergic polymorphic ventricular tachycardia. Last evaluated: 2023-12-13. Review status: criteria provided, single submitter. Criteria: ACMG Guidelines, 2015. Collection method: clinical testing. Allele origin: germline. Inheritance: Autosomal dominant inheritance. Observed: 1 variant allele, 1 heterozygote.
Comment: This missense variant replaces proline with leucine at codon 2955 of the RYR2 protein. Computational prediction is inconclusive regarding the impact of this variant on protein structure and function (internally defined REVEL score threshold 0.5 < inconclusive < 0.7, PMID: 27666373). To our knowledge, functional studies have not been reported for this variant. This variant has not been reported in individuals affected with RYR2-related disorders in the literature. This variant has not been identified in the general population by the Genome Aggregation Database (gnomAD). The available evidence is insufficient to determine the role of this variant in disease conclusively. Therefore, this variant is classified as a Variant of Uncertain Significance.

This study involves interpretation of variants in research participants for the purpose of population health screening. Participant phenotype was not available at the time of variant classification. Additional details can be found in publication PMID: 35346344, PMCID: PMC8962531